The following is an entry in ClinVar:

ClinVar aggregate classification (germline): Uncertain significance (1 of 4 stars; one submission).

Submission:

GeneDx
Classification: Uncertain significance. Last evaluated: 2019-04-04. Review status: criteria provided, single submitter. Criteria: GeneDx Variant Classification Process June 2021. Collection method: clinical testing. Allele origin: germline. Affected: yes.
Comment: Has not been previously published as pathogenic or benign to our knowledge; In silico analysis, which includes protein predictors and evolutionary conservation, supports that this variant does not alter protein structure/function; Not observed in large population cohorts (Lek et al., 2016)

NM_001543.5(NDST1):c.188C>T (p.Ala63Val)

Gene: NDST1 (N-deacetylase and N-sulfotransferase 1; plus strand). Cytogenetic location: 5q33.1.
Variant type: single nucleotide variant.
Coding change: c.188C>T on transcript NM_001543.5 (MANE Select); coding-DNA position 188, C replaced by T.
Protein change: p.Ala63Val; replaces alanine 63 with valine.
Molecular consequence: missense variant.
Genome position (GRCh38, 1-based): chr5:150,521,442, C>T. VCF-style: chr5-150521442-C-T. GRCh37 (hg19) VCF-style: chr5-149901004-C-T.
Other names: c.188C>T, p.Ala63Val (NM_001301063.2); short protein forms A63V.
Identifiers: ClinVar variation 1308528 (VCV001308528.2), dbSNP rs764353194, ClinGen allele CA361760641.